The following is an entry in ClinVar:

NM_000492.4(CFTR):c.-36G>A

Genes: CFTR (CF transmembrane conductance regulator; plus strand), LOC111674463 (CFTR promoter region; plus strand). Cytogenetic location: 7q31.2.
Variant type: single nucleotide variant.
Coding change: c.-36G>A on transcript NM_000492.4 (MANE Select); 36 bases upstream of the start codon, G replaced by A.
Molecular consequence: 5 prime UTR variant.
Genome position (GRCh38, 1-based): chr7:117,480,059, G>A. VCF-style: chr7-117480059-G-A. GRCh37 (hg19) VCF-style: chr7-117120113-G-A.
Identifiers: ClinVar variation 3346424 (VCV003346424.1).

ClinVar aggregate classification (germline): Likely benign (0 of 4 stars; one submission).

Conditions:
CFTR-related disorder (CFTR-RD). Also called: CFTR-related disorders; CFTR-related condition. Identifiers: MedGen C5924204, MONDO:7770004.

gnomAD v4.1: 3 of 1,607,356 alleles (0.00019%); highest among the groups gnomAD compares: South Asian, 0.0033%; no homozygotes.

Submission:

PreventionGenetics, part of Exact Sciences
Classification: Likely benign for CFTR-related condition. Last evaluated: 2024-09-05. Review status: no assertion criteria provided. Collection method: clinical testing. Allele origin: germline.
Comment: This variant is classified as likely benign based on ACMG/AMP sequence variant interpretation guidelines (Richards et al. 2015 PMID: 25741868, with internal and published modifications).